The following is an entry in ClinVar:

ClinVar aggregate classification (germline): Likely pathogenic (1 of 4 stars; one submission).

Conditions:
Larsen syndrome (LRS). Also called: Bilateral dislocation of the knees, pes cavus, cylindrically shaped fingers and characteristic facies; Larsen syndrome (FLNB-LS). Identifiers: Orphanet 503, MedGen C0175778, MONDO:0007875, OMIM 150250. Disease mechanism: loss of function.

Submission:

Victorian Clinical Genetics Services, Murdoch Childrens Research Institute
Classification: Likely pathogenic for Larsen syndrome. Last evaluated: 2020-10-19. Review status: criteria provided, single submitter. Criteria: ACMG Guidelines, 2015. Collection method: clinical testing. Allele origin: germline. Inheritance: Autosomal dominant inheritance. Affected: yes.
Comment: Based on the classification scheme VCGS_Germline_v1.1.1, this variant is classified as likely pathogenic. Following criteria are met: 0103 - Both loss- and gain-of-function are known mechanisms of disease for this gene. Protein-truncating or nonsense mediated decay (NMD) predicted variants are associated with a loss-of-function mechanism, and missense and small in-frame deletion or insertion variants are associated with a gain-of-function mechanism (PMID: 29566257, 22190451, 31836586). (N) 0108 - This gene is known to be associated with both recessive and dominant disease. The recessive condition is caused by biallelic loss-of-function variants and is associated with spondylocarpotarsal synostosis syndrome (MIM#272460). The autosomal dominant FLNB-related disorders are mostly caused by gain-of-function variants (PMIDs: 29566257, 22190451). (N) 0211 - Canonical splice site variant located in intron 28 of 45, without proven consequence on splicing (no functional evidence available). (P) 0251 - Variant is heterozygous. (N) 0301 - Variant is absent from gnomAD. (P) 0505 - Abnormal splicing is predicted by in silico tools and affected nucleotide is highly conserved. (P) 0705 - No comparable variants have previous evidence for pathogenicity. (N) 0807 - Variant has not previously been reported in a clinical context. (N) 0905 - No segregation evidence has been identified for this variant. (N) 1007 - No published functional evidence has been identified for this variant. (P) Legend: (P) - Pathogenic, (N) - Neutral, (B) - Benign

Literature cited by the submitters: PubMed 22190451; PubMed 29566257; PubMed 31836586.

NM_001457.4(FLNB):c.4861+2T>G

Gene: FLNB (filamin B; plus strand). Cytogenetic location: 3p14.3.
Variant type: single nucleotide variant.
Coding change: c.4861+2T>G on transcript NM_001457.4 (MANE Select); the canonical splice donor site of the intron after coding-DNA position 4861, T replaced by G.
Molecular consequence: splice donor variant.
Genome position (GRCh38, 1-based): chr3:58,136,170, T>G. VCF-style: chr3-58136170-T-G. GRCh37 (hg19) VCF-style: chr3-58121897-T-G.
Other names: c.4954+2T>G (NM_001164317.2); c.4861+2T>G (NM_001164318.2, NM_001164319.2).
Identifiers: ClinVar variation 3376886 (VCV003376886.1).